The following is an entry in ClinVar:

ClinVar aggregate classification (germline): Uncertain significance (1 of 4 stars; one submission).

Conditions:
Hereditary breast ovarian cancer syndrome. Also called: Hereditary breast and/or ovarian cancer syndrome; BRCA1- and BRCA2-Associated Hereditary Breast and Ovarian Cancer; Hereditary breast and ovarian cancer syndrome; Hereditary breast and ovarian cancer; Hereditary breast and ovarian cancer syndrome (HBOC); Breast and ovarian cancer. Identifiers: Orphanet 145, MedGen C0677776, MeSH D061325, MONDO:0003582. Disease mechanism: loss of function.

Submissions (2):

Labcorp Genetics (formerly Invitae), Labcorp
Classification: Uncertain significance for Hereditary breast ovarian cancer syndrome. Last evaluated: 2022-02-08. Review status: criteria provided, single submitter. Criteria: Invitae Variant Classification Sherloc (09022015). Collection method: clinical testing. Allele origin: germline.
Comment: This sequence change replaces asparagine, which is neutral and polar, with histidine, which is basic and polar, at codon 1730 of the BRCA1 protein (p.Asn1730His). This variant is not present in population databases (gnomAD no frequency). In summary, the available evidence is currently insufficient to determine the role of this variant in disease. Therefore, it has been classified as a Variant of Uncertain Significance. Experimental studies have shown that this missense change does not substantially affect BRCA1 function (PMID: 30209399). Advanced modeling of protein sequence and biophysical properties (such as structural, functional, and spatial information, amino acid conservation, physicochemical variation, residue mobility, and thermodynamic stability) performed at Invitae indicates that this missense variant is not expected to disrupt BRCA1 protein function. ClinVar contains an entry for this variant (Variation ID: 865094). This variant has not been reported in the literature in individuals affected with BRCA1-related conditions.

Brotman Baty Institute, University of Washington
No classification provided (evidence only). Condition: Breast-ovarian cancer, familial 1. Review status: no classification provided. Collection method: in vitro. Allele origin: not applicable. Functional consequence: functionally_normal. Not counted in ClinVar's aggregate classification.
ClinVar note: "not provided" was previously submitted as the classification for the variant. However, the classification appeared to be based only on an observation of functional data so it was converted to no classification on 2025-07-30.

Literature cited by the submitters: PubMed 30209399 (cited by Labcorp Genetics (formerly Invitae), Labcorp).

NM_007294.4(BRCA1):c.5188A>C (p.Asn1730His)

Gene: BRCA1 (BRCA1 DNA repair associated; minus strand). Cytogenetic location: 17q21.31.
Variant type: single nucleotide variant.
Coding change: c.5188A>C on transcript NM_007294.4 (MANE Select); coding-DNA position 5188, A replaced by C.
Protein change: p.Asn1730His; replaces asparagine 1730 with histidine.
Molecular consequence: missense variant. On other transcripts: non-coding transcript variant (1).
Genome position (GRCh38, 1-based): chr17:43,063,338, T>G on the plus strand (A>C on the coding strand, the complement: BRCA1 is on the minus strand). VCF-style: chr17-43063338-T-G. GRCh37 (hg19) VCF-style: chr17-41215355-T-G.
Other names: c.5062A>C, p.Asn1688His (NM_001407677.1, NM_001407678.1, NM_001407670.1 and 10 more transcripts); c.5059A>C, p.Asn1687His (NM_001407689.1, NM_001407681.1, NM_001407682.1 and 6 more transcripts); c.5056A>C, p.Asn1686His (NM_001407690.1, NM_001407691.1); c.5047A>C, p.Asn1683His (NM_001407692.1, NM_001407694.1, NM_001407695.1 and 13 more transcripts); c.5044A>C, p.Asn1682His (NM_001407734.1, NM_001407735.1, NM_001407736.1 and 21 more transcripts); c.5041A>C, p.Asn1681His (NM_001407838.1, NM_001407839.1, NM_001407841.1 and 12 more transcripts); c.5182A>C, p.Asn1728His (NM_001407861.1, NM_001407629.1, NM_001407630.1 and 14 more transcripts); c.4987A>C, p.Asn1663His (NM_001407862.1); and 72 more; short protein forms N1751H, N1683H, N1730H, N626H, N1618H, N1619H, N1659H, N1660H.
Identifiers: ClinVar variation 865094 (VCV000865094.8), dbSNP rs2051856271, ClinGen allele CA10591167.